The following is an entry in ClinVar:

NM_000100.4(CSTB):c.67-150G>A

Gene: CSTB (cystatin B; minus strand). Cytogenetic location: 21q22.3.
Variant type: single nucleotide variant.
Coding change: c.67-150G>A on transcript NM_000100.4 (MANE Select); 150 bases into the intron before coding-DNA position 67, G replaced by A.
Molecular consequence: intron variant.
Genome position (GRCh38, 1-based): chr21:43,774,909, C>T on the plus strand (G>A on the coding strand, the complement: CSTB is on the minus strand). VCF-style: chr21-43774909-C-T. GRCh37 (hg19) VCF-style: chr21-45194790-C-T.
Identifiers: ClinVar variation 677584 (VCV000677584.2), dbSNP rs6381, ClinGen allele CA321726526.

ClinVar aggregate classification (germline): Benign. Review status: criteria provided, multiple submitters, no conflicts (2 of 4 stars). 2 submissions from 2 submitters: Benign (2). Last evaluated 2018-06-14.

Allele frequency attached by ClinVar (database versions not stated): gnomAD exomes 0.00307; gnomAD 0.02406 and 0.02587; 1000 Genomes Project 0.02716; TOPMed 0.02723; 1000 Genomes Project 30x 0.02873.

Submissions (2):

GeneDx
Classification: Benign. Last evaluated: 2018-06-14. Review status: criteria provided, single submitter. Criteria: GeneDx Variant Classification (06012015). Collection method: clinical testing. Allele origin: germline. Affected: yes.
Comment: This variant is considered likely benign or benign based on one or more of the following criteria: it is a conservative change, it occurs at a poorly conserved position in the protein, it is predicted to be benign by multiple in silico algorithms, and/or has population frequency not consistent with disease.

Breakthrough Genomics
Classification: Benign. Review status: criteria provided, single submitter. Criteria: ACMG Guidelines, 2015. Collection method: not provided. Allele origin: germline. Inheritance: Autosomal recessive inheritance. Affected: yes.